The following is an entry in ClinVar:

NM_005422.4(TECTA):c.850C>T (p.Arg284Cys)

Genes: TECTA (tectorin alpha; plus strand), TBCEL-TECTA (TBCEL-TECTA readthrough; plus strand). Cytogenetic location: 11q23.3.
Variant type: single nucleotide variant.
Coding change: c.850C>T on transcript NM_005422.4 (MANE Select); coding-DNA position 850, C replaced by T.
Protein change: p.Arg284Cys; replaces arginine 284 with cysteine.
Molecular consequence: missense variant.
Genome position (GRCh38, 1-based): chr11:121,118,365, C>T. VCF-style: chr11-121118365-C-T. GRCh37 (hg19) VCF-style: chr11-120989074-C-T.
Other names: short protein forms R284C.
Identifiers: ClinVar variation 879126 (VCV000879126.10), dbSNP rs1176214445, ClinGen allele CA383007499.

ClinVar aggregate classification (germline): Uncertain significance. Review status: criteria provided, multiple submitters, no conflicts (2 of 4 stars). 4 submissions from 3 submitters: Uncertain significance (4). Last evaluated 2022-02-10.

Conditions:
Inborn genetic diseases. Identifiers: MedGen C0950123, MeSH D030342.
Autosomal dominant nonsyndromic hearing loss 12. Also called: DEAFNESS, AUTOSOMAL DOMINANT 8. Identifiers: Orphanet 90635, MedGen C1832187, MONDO:0011102, OMIM 601543.
Autosomal recessive nonsyndromic hearing loss 21. Identifiers: Orphanet 90636, MedGen C1863655, MONDO:0011351, OMIM 603629.

Allele frequency attached by ClinVar (database versions not stated): TOPMed 0.00002.
gnomAD v4.1: 10 of 1,614,110 alleles (0.00062%); highest among the groups gnomAD compares: Middle Eastern, 0.017%; no homozygotes.

Submissions (4):

Ambry Genetics
Classification: Uncertain significance for Inborn genetic diseases. Last evaluated: 2022-02-10. Review status: criteria provided, single submitter. Criteria: Ambry Variant Classification Scheme 2023. Collection method: clinical testing. Allele origin: germline.

Laboratory for Molecular Medicine, Mass General Brigham Personalized Medicine
Classification: Uncertain significance. Last evaluated: 2020-01-16. Review status: criteria provided, single submitter. Criteria: LMM Criteria. Collection method: clinical testing. Allele origin: germline. Observed: 1 variant allele.
Comment: The p.Arg284Cys variant in TECTA has not been previously reported in individuals with hearing loss and was absent from large population studies. Computational prediction tools and conservation analysis suggest that this variant may impact the protein, though this information is not predictive enough to determine pathogenicity. In summary, the clinical significance of this variant is uncertain. ACMG/AMP Criteria applied: PM2, PP3.

Illumina Laboratory Services, Illumina
Classification: Uncertain significance for Autosomal dominant nonsyndromic hearing loss 12. Last evaluated: 2018-01-13. Review status: criteria provided, single submitter. Criteria: ICSL Variant Classification Criteria 13 December 2019. Collection method: clinical testing. Allele origin: germline.

Illumina Laboratory Services, Illumina
Classification: Uncertain significance for Autosomal recessive nonsyndromic hearing loss 21. Last evaluated: 2018-01-13. Review status: criteria provided, single submitter. Criteria: ICSL Variant Classification Criteria 13 December 2019. Collection method: clinical testing. Allele origin: germline.